The following is an entry in ClinVar:

ClinVar aggregate classification (germline): Uncertain significance. Review status: criteria provided, multiple submitters, no conflicts (2 of 4 stars). 3 submissions from 3 submitters: Uncertain significance (3). Last evaluated 2026-07-28.

Conditions:
Autosomal dominant nonsyndromic hearing loss 65. Also called: TBC1D24-Related Autosomal Dominant Nonsyndromic Hearing Loss (DFNA); Deafness, autosomal dominant 65. Identifiers: Orphanet 90635, MedGen C3892048, MONDO:0014470, OMIM 616044.
Developmental and epileptic encephalopathy, 1 (DEE1). Also called: X-linked infantile spasms; West's syndrome; Tonic spasms with clustering, arrest of psychomotor development and hypsarrhythmia on EEG; X-Linked Infantile Spasm Syndrome; OHTAHARA SYNDROME, X-LINKED; INFANTILE SPASM SYNDROME, X-LINKED 1. Identifiers: MedGen C3463992, MONDO:0010632, OMIM 308350. Disease mechanism: loss of function.
TBC1D24-related disorder. Also called: TBC1D24-related condition; TBC1D24-related disorders. Identifiers: MedGen CN381194.

Allele frequency attached by ClinVar (database versions not stated): ExAC 0.00001; gnomAD exomes 0.00001 and 0.00002; TOPMed 0.00002; gnomAD 0.00003.

Submissions (3):

PreventionGenetics, part of Exact Sciences
Classification: Uncertain significance for TBC1D24-related condition. Last evaluated: 2026-07-28. Review status: criteria provided, single submitter. Criteria: ACMG Guidelines, 2015. Collection method: clinical testing. Allele origin: germline.
Comment: The TBC1D24 c.154G>A variant is predicted to result in the amino acid substitution p.Gly52Arg. To our knowledge, this variant has not been reported in the literature. This variant is reported in 0.012% of alleles in individuals of Latino descent in gnomAD. At this time, the clinical significance of this variant is uncertain due to the absence of conclusive functional and genetic evidence.

Labcorp Genetics (formerly Invitae), Labcorp
Classification: Uncertain significance for Developmental and epileptic encephalopathy, 1; Autosomal dominant nonsyndromic hearing loss 65. Last evaluated: 2026-01-12. Review status: criteria provided, single submitter. Criteria: Invitae Variant Classification Sherloc (09022015). Collection method: clinical testing. Allele origin: germline.
Comment: This sequence change replaces glycine, which is neutral and non-polar, with arginine, which is basic and polar, at codon 52 of the TBC1D24 protein (p.Gly52Arg). This variant is present in population databases (rs751753013, gnomAD 0.01%). This variant has not been reported in the literature in individuals affected with TBC1D24-related conditions. ClinVar contains an entry for this variant (Variation ID: 639966). Invitae Evidence Modeling of protein sequence and biophysical properties (such as structural, functional, and spatial information, amino acid conservation, physicochemical variation, residue mobility, and thermodynamic stability) indicates that this missense variant is not expected to disrupt TBC1D24 protein function with a negative predictive value of 95%. In summary, the available evidence is currently insufficient to determine the role of this variant in disease. Therefore, it has been classified as a Variant of Uncertain Significance.

GeneDx
Classification: Uncertain significance. Last evaluated: 2022-02-22. Review status: criteria provided, single submitter. Criteria: GeneDx Variant Classification Process June 2021. Collection method: clinical testing. Allele origin: germline. Affected: yes.
Comment: Not observed at significant frequency in large population cohorts (gnomAD); In silico analysis supports that this missense variant has a deleterious effect on protein structure/function; Has not been previously published as pathogenic or benign to our knowledge

NM_001199107.2(TBC1D24):c.154G>A (p.Gly52Arg)

Gene: TBC1D24 (TBC1 domain family member 24; plus strand). Cytogenetic location: 16p13.3.
Variant type: single nucleotide variant.
Coding change: c.154G>A on transcript NM_001199107.2 (MANE Select); coding-DNA position 154, G replaced by A.
Protein change: p.Gly52Arg; replaces glycine 52 with arginine.
Molecular consequence: missense variant.
Genome position (GRCh38, 1-based): chr16:2,496,302, G>A. VCF-style: chr16-2496302-G-A. GRCh37 (hg19) VCF-style: chr16-2546303-G-A.
Other names: c.154G>A, p.Gly52Arg (NM_020705.3); short protein forms G52R.
Identifiers: ClinVar variation 639966 (VCV000639966.11), dbSNP rs751753013, ClinGen allele CA7843935.